The following is an entry in ClinVar:

NM_033225.6(CSMD1):c.10107A>T (p.Gln3369His)

Genes: CSMD1 (CUB and Sushi multiple domains 1; minus strand), LOC105377785 (uncharacterized LOC105377785; plus strand). Cytogenetic location: 8p23.2.
Variant type: single nucleotide variant.
Coding change: c.10107A>T on transcript NM_033225.6 (MANE Select); coding-DNA position 10107, A replaced by T.
Protein change: p.Gln3369His; replaces glutamine 3369 with histidine.
Molecular consequence: missense variant.
Genome position (GRCh38, 1-based): chr8:2,951,208, T>A on the plus strand (A>T on the coding strand, the complement: CSMD1 is on the minus strand). VCF-style: chr8-2951208-T-A. GRCh37 (hg19) VCF-style: chr8-2808730-T-A.
Other names: short protein forms Q3369H.
Identifiers: ClinVar variation 3060738 (VCV003060738.2), dbSNP rs34337712, ClinGen allele CA4604887.

ClinVar aggregate classification (germline): Benign (0 of 4 stars; one submission).

Conditions:
CSMD1-related disorder. Also called: CSMD1-related condition.

Allele frequency attached by ClinVar (database versions not stated): 1000 Genomes Project 0.02137; 1000 Genomes Project 30x 0.02155; TOPMed 0.04466; gnomAD 0.05390; ESP Exome Variant Server 0.05644.
gnomAD v4.1: 111,109 of 1,606,496 alleles (6.9%); highest among the groups gnomAD compares: Non-Finnish European, 8.1%; 4,577 homozygotes.

Submission:

PreventionGenetics, part of Exact Sciences
Classification: Benign for CSMD1-related condition. Last evaluated: 2019-05-08. Review status: no assertion criteria provided. Collection method: clinical testing. Allele origin: germline.
Comment: This variant is classified as benign based on ACMG/AMP sequence variant interpretation guidelines (Richards et al. 2015 PMID: 25741868, with internal and published modifications).